The following is an entry in ClinVar:

ClinVar aggregate classification (germline): Likely benign (1 of 4 stars; one submission).

gnomAD v4.1: 100 of 1,613,460 alleles (0.0062%); highest among the groups gnomAD compares: East Asian, 0.022%; no homozygotes.

Submission:

CeGaT Center for Human Genetics Tuebingen
Classification: Likely benign. Last evaluated: 2022-09-01. Review status: criteria provided, single submitter. Criteria: CeGaT Center For Human Genetics Tuebingen Variant Classification Criteria Version 2. Collection method: clinical testing. Allele origin: germline. Affected: yes. Observed: 1 variant allele.
Comment: THSD7A: BP4, BP7

NM_015204.3(THSD7A):c.2487G>A (p.Ala829=)

Gene: THSD7A (thrombospondin type 1 domain containing 7A; minus strand). Cytogenetic location: 7p21.3.
Variant type: single nucleotide variant.
Coding change: c.2487G>A on transcript NM_015204.3 (MANE Select); coding-DNA position 2487, G replaced by A.
Protein change: p.Ala829=; no amino-acid change (alanine 829 retained).
Molecular consequence: synonymous variant.
Genome position (GRCh38, 1-based): chr7:11,462,025, C>T on the plus strand (G>A on the coding strand, the complement: THSD7A is on the minus strand). VCF-style: chr7-11462025-C-T. GRCh37 (hg19) VCF-style: chr7-11501652-C-T.
Identifiers: ClinVar variation 2657324 (VCV002657324.24), dbSNP rs7807697, ClinGen allele CA4164133.